The following is an entry in ClinVar:

ClinVar aggregate classification (germline): Uncertain significance. Review status: criteria provided, multiple submitters, no conflicts (2 of 4 stars). 2 submissions from 2 submitters: Uncertain significance (2). Last evaluated 2022-10-14.

Allele frequency attached by ClinVar (database versions not stated): gnomAD exomes 0.00001; ExAC 0.00002; gnomAD 0.00002; TOPMed 0.00002; 1000 Genomes Project 30x 0.00016; 1000 Genomes Project 0.00020.
gnomAD v4.1: 21 of 1,613,994 alleles (0.0013%); highest among the groups gnomAD compares: Admixed American, 0.013%; no homozygotes.

Submissions (2):

Labcorp Genetics (formerly Invitae), Labcorp
Classification: Uncertain significance. Last evaluated: 2022-10-14. Review status: criteria provided, single submitter. Criteria: Invitae Variant Classification Sherloc (09022015). Collection method: clinical testing. Allele origin: germline.
Comment: In summary, the available evidence is currently insufficient to determine the role of this variant in disease. Therefore, it has been classified as a Variant of Uncertain Significance. Algorithms developed to predict the effect of missense changes on protein structure and function are either unavailable or do not agree on the potential impact of this missense change (SIFT: "Tolerated"; PolyPhen-2: "Not Available"; Align-GVGD: "Class C0"). This variant has not been reported in the literature in individuals affected with FMN1-related conditions. This variant is present in population databases (rs529971512, gnomAD 0.01%). This sequence change replaces arginine, which is basic and polar, with lysine, which is basic and polar, at codon 109 of the FMN1 protein (p.Arg109Lys).

Ambry Genetics
Classification: Uncertain significance. Last evaluated: 2021-11-16. Review status: criteria provided, single submitter. Criteria: Ambry Variant Classification Scheme 2023. Collection method: clinical testing. Allele origin: germline.

NM_001277313.2(FMN1):c.2044-2485G>A

Gene: FMN1 (formin 1; minus strand). Cytogenetic location: 15q13.3.
Variant type: single nucleotide variant.
Coding change: c.2044-2485G>A on transcript NM_001277313.2 (MANE Select); 2485 bases into the intron before coding-DNA position 2044, G replaced by A.
Molecular consequence: intron variant. On other transcripts: missense variant (1).
Genome position (GRCh38, 1-based): chr15:33,067,559, C>T on the plus strand (G>A on the coding strand, the complement: FMN1 is on the minus strand). VCF-style: chr15-33067559-C-T. GRCh37 (hg19) VCF-style: chr15-33359760-C-T.
Other names: c.326G>A, p.Arg109Lys (NM_001103184.4); short protein forms R109K.
Identifiers: ClinVar variation 2283847 (VCV002283847.5), dbSNP rs529971512, ClinGen allele CA7457387.